The following is an entry in ClinVar:

NM_024408.4(NOTCH2):c.760G>T (p.Gly254Trp)

Gene: NOTCH2 (notch receptor 2; minus strand). Cytogenetic location: 1p12.
Variant type: single nucleotide variant.
Coding change: c.760G>T on transcript NM_024408.4 (MANE Select); coding-DNA position 760, G replaced by T.
Protein change: p.Gly254Trp; replaces glycine 254 with tryptophan.
Molecular consequence: missense variant.
Genome position (GRCh38, 1-based): chr1:119,987,074, C>A on the plus strand (G>T on the coding strand, the complement: NOTCH2 is on the minus strand). VCF-style: chr1-119987074-C-A. GRCh37 (hg19) VCF-style: chr1-120529697-C-A.
Other names: c.760G>T, p.Gly254Trp (NM_001200001.2); c.760G>T (NM_024408.3); short protein forms G254W.
Identifiers: ClinVar variation 593653 (VCV000593653.14), dbSNP rs1553202314, ClinGen allele CA341887825.

ClinVar aggregate classification (germline): Uncertain significance. Review status: criteria provided, multiple submitters, no conflicts (2 of 4 stars). 6 submissions from 6 submitters: Uncertain significance (5). 1 of the submissions does not count toward it. Last evaluated 2023-10-27.

Conditions:
Hajdu-Cheney syndrome (HJCYS). Also called: ACROOSTEOLYSIS WITH OSTEOPOROSIS AND CHANGES IN SKULL AND MANDIBLE; SERPENTINE FIBULA-POLYCYSTIC KIDNEY SYNDROME; Acroosteolysis dominant type. Identifiers: Orphanet 955, MedGen C0917715, MONDO:0007057, OMIM 102500.
Inborn genetic diseases. Identifiers: MedGen C0950123, MeSH D030342.
NOTCH2-related disorder. Also called: NOTCH2-related condition.
Alagille syndrome due to a NOTCH2 point mutation. Also called: Alagille syndrome 2. Identifiers: Orphanet 261629, Orphanet 52, MedGen C1857761, MONDO:0012439, OMIM 610205.

Allele frequency attached by ClinVar (database versions not stated): gnomAD exomes 0.00001.
gnomAD v4.1: 5 of 1,613,512 alleles (0.00031%); highest among the groups gnomAD compares: Non-Finnish European, 0.00042%; no homozygotes.

Submissions (6):

Ambry Genetics
Classification: Uncertain significance for Inborn genetic diseases. Last evaluated: 2023-10-27. Review status: criteria provided, single submitter. Criteria: Ambry Variant Classification Scheme 2023. Collection method: clinical testing. Allele origin: germline.

Labcorp Genetics (formerly Invitae), Labcorp
Classification: Uncertain significance for Hajdu-Cheney syndrome. Last evaluated: 2023-01-28. Review status: criteria provided, single submitter. Criteria: Invitae Variant Classification Sherloc (09022015). Collection method: clinical testing. Allele origin: germline.
Comment: This sequence change replaces glycine, which is neutral and non-polar, with tryptophan, which is neutral and slightly polar, at codon 254 of the NOTCH2 protein (p.Gly254Trp). This variant is present in population databases (no rsID available, gnomAD 0.0009%). This variant has not been reported in the literature in individuals affected with NOTCH2-related conditions. ClinVar contains an entry for this variant (Variation ID: 593653). Advanced modeling of protein sequence and biophysical properties (such as structural, functional, and spatial information, amino acid conservation, physicochemical variation, residue mobility, and thermodynamic stability) performed at Invitae indicates that this missense variant is expected to disrupt NOTCH2 protein function. In summary, the available evidence is currently insufficient to determine the role of this variant in disease. Therefore, it has been classified as a Variant of Uncertain Significance.

GeneDx
Classification: Uncertain significance. Last evaluated: 2022-11-25. Review status: criteria provided, single submitter. Criteria: GeneDx Variant Classification Process June 2021. Collection method: clinical testing. Allele origin: germline. Affected: yes.
Comment: In silico analysis supports that this missense variant has a deleterious effect on protein structure/function; Has not been previously published as pathogenic or benign to our knowledge

Fulgent Genetics
Classification: Uncertain significance for Hajdu-Cheney syndrome; Alagille syndrome due to a NOTCH2 point mutation. Last evaluated: 2021-09-27. Review status: criteria provided, single submitter. Criteria: ACMG Guidelines, 2015. Collection method: clinical testing. Allele origin: unknown.

Eurofins Ntd Llc (ga)
Classification: Uncertain significance. Last evaluated: 2017-08-24. Review status: criteria provided, single submitter. Criteria: EGL Classification Definitions 2015. Collection method: clinical testing. Allele origin: germline. Observed: 1 variant allele, 1 heterozygote.

PreventionGenetics, part of Exact Sciences
Classification: Uncertain significance for NOTCH2-related condition. Last evaluated: 2024-06-21. Review status: no assertion criteria provided. Collection method: clinical testing. Allele origin: germline. Not counted in ClinVar's aggregate classification.
Comment: The NOTCH2 c.760G>T variant is predicted to result in the amino acid substitution p.Gly254Trp. To our knowledge, this variant has not been reported in the literature. This variant is reported in 0.0018% of alleles in individuals of European (Non-Finnish) descent in gnomAD. At this time, the clinical significance of this variant is uncertain due to the absence of conclusive functional and genetic evidence.